The following is an entry in ClinVar:

NM_014370.4(SRPK3):c.336T>C (p.Ser112=)

Gene: SRPK3 (SRSF protein kinase 3; plus strand). Cytogenetic location: Xq28.
Variant type: single nucleotide variant.
Coding change: c.336T>C on transcript NM_014370.4 (MANE Select); coding-DNA position 336, T replaced by C.
Protein change: p.Ser112=; no amino-acid change (serine 112 retained).
Molecular consequence: synonymous variant.
Genome position (GRCh38, 1-based): chrX:153,781,779, T>C. VCF-style: chrX-153781779-T-C. GRCh37 (hg19) VCF-style: chrX-153047234-T-C.
Other names: c.336T>C, p.Ser112= (NM_001170760.2, NM_001170761.2).
Identifiers: ClinVar variation 4821767 (VCV004821767.4).
Genomic context (GRCh38, chrX:153,781,779, plus strand): 5'-CCTACAAGGGTCTCGGTATTGCAGGCGCAAGCGCTTTGTGGCCCTCAAAGTGGTGAAGAG[T>C]GCGGGGCATTACACGGAGACAGCTGTGGATGAGATCAAGCTCCTGAAATGTGTGAGGCAC-3'
Protein context (NP_055185.2, residues 102-122): KRFVALKVVK[Ser112=]AGHYTETAVD

ClinVar aggregate classification (germline): Likely benign (1 of 4 stars; one submission).

gnomAD v4.1: 24 of 1,209,630 alleles (0.002%); highest among the groups gnomAD compares: East Asian, 0.039%; no homozygotes.

Submission:

CeGaT Center for Human Genetics Tuebingen
Classification: Likely benign. Last evaluated: 2026-03-01. Review status: criteria provided, single submitter. Criteria: CeGaT Center For Human Genetics Tuebingen Variant Classification Criteria Version 2. Collection method: clinical testing. Allele origin: germline. Affected: yes. Observed: 1 variant allele.
Comment: SRPK3: BP4, BP7, BS2